The following is an entry in ClinVar:

NM_015443.4(KANSL1):c.-47C>T

Gene: KANSL1 (KAT8 regulatory NSL complex subunit 1). Cytogenetic location: 17q21.31.
Variant type: single nucleotide variant.
Coding change: c.-47C>T on transcript NM_015443.4 (MANE Select); 47 bases upstream of the start codon, C replaced by T.
Molecular consequence: 5 prime UTR variant.
Genome position (GRCh38, 1-based): chr17:46,172,190, G>A on the plus strand (C>T on the coding strand, the complement: KANSL1 is on the minus strand). VCF-style: chr17-46172190-G-A. GRCh37 (hg19) VCF-style: chr17-44249556-G-A.
Other names: c.-47C>T (NM_001193465.2, NM_001193466.2, NM_001379198.1).
Identifiers: ClinVar variation 668944 (VCV000668944.1), dbSNP rs765669550, ClinGen allele CA8619149.

ClinVar aggregate classification (germline): Likely benign (1 of 4 stars; one submission).

Allele frequency attached by ClinVar (database versions not stated): gnomAD 0.00004 and 0.00005; ExAC 0.00005; gnomAD exomes 0.00005.
gnomAD v4.1: 74 of 1,561,154 alleles (0.0047%); highest among the groups gnomAD compares: South Asian, 0.014%; no homozygotes.

Submission:

GeneDx
Classification: Likely benign. Last evaluated: 2017-03-08. Review status: criteria provided, single submitter. Criteria: GeneDx Variant Classification (06012015). Collection method: clinical testing. Allele origin: germline. Affected: yes.
Comment: This variant is considered likely benign or benign based on one or more of the following criteria: it is a conservative change, it occurs at a poorly conserved position in the protein, it is predicted to be benign by multiple in silico algorithms, and/or has population frequency not consistent with disease.